The following is an entry in ClinVar:

ClinVar aggregate classification (germline): Uncertain significance (1 of 4 stars; one submission).

Allele frequency attached by ClinVar (database versions not stated): gnomAD exomes below 0.00001; TOPMed below 0.00001; ExAC 0.00001; gnomAD 0.00001.
gnomAD v4.1: 2 of 1,613,346 alleles (0.00012%); highest among the groups gnomAD compares: Admixed American, 0.0033%; no homozygotes.

Submission:

Labcorp Genetics (formerly Invitae), Labcorp
Classification: Uncertain significance. Last evaluated: 2023-10-13. Review status: criteria provided, single submitter. Criteria: Invitae Variant Classification Sherloc (09022015). Collection method: clinical testing. Allele origin: germline.
Comment: This sequence change replaces valine, which is neutral and non-polar, with methionine, which is neutral and non-polar, at codon 776 of the COL7A1 protein (p.Val776Met). This variant is present in population databases (rs767866569, gnomAD 0.003%). This variant has not been reported in the literature in individuals affected with COL7A1-related conditions. ClinVar contains an entry for this variant (Variation ID: 1965254). Advanced modeling of protein sequence and biophysical properties (such as structural, functional, and spatial information, amino acid conservation, physicochemical variation, residue mobility, and thermodynamic stability) performed at Invitae indicates that this missense variant is not expected to disrupt COL7A1 protein function. In summary, the available evidence is currently insufficient to determine the role of this variant in disease. Therefore, it has been classified as a Variant of Uncertain Significance.

NM_000094.4(COL7A1):c.2326G>A (p.Val776Met)

Gene: COL7A1 (collagen type VII alpha 1 chain; minus strand). Cytogenetic location: 3p21.31.
Variant type: single nucleotide variant.
Coding change: c.2326G>A on transcript NM_000094.4 (MANE Select); coding-DNA position 2326, G replaced by A.
Protein change: p.Val776Met; replaces valine 776 with methionine.
Molecular consequence: missense variant.
Genome position (GRCh38, 1-based): chr3:48,588,984, C>T on the plus strand (G>A on the coding strand, the complement: COL7A1 is on the minus strand). VCF-style: chr3-48588984-C-T. GRCh37 (hg19) VCF-style: chr3-48626417-C-T.
Other names: short protein forms V776M.
Identifiers: ClinVar variation 1965254 (VCV001965254.5), dbSNP rs767866569, ClinGen allele CA2380917.